The following is an entry in ClinVar:

ClinVar aggregate classification (germline): Uncertain significance. Review status: criteria provided, multiple submitters, no conflicts (2 of 4 stars). 5 submissions from 5 submitters: Uncertain significance (5). Last evaluated 2026-08-06.

Conditions:
Noonan syndrome 10 (NS10). Identifiers: Orphanet 648, MedGen C4225280, MONDO:0014693, OMIM 616564.
LZTR1-related schwannomatosis. Also called: Schwannomatosis-2, susceptibility to; Schwannomatosis 2. Identifiers: Orphanet 93921, MedGen C3810283, MONDO:0014299, OMIM 615670.
Cardiovascular phenotype. Identifiers: MedGen CN230736.
Hereditary cancer-predisposing syndrome. Also called: Tumor predisposition; Neoplastic Syndromes, Hereditary; Hereditary Cancer Syndrome; Hereditary neoplastic syndrome. Identifiers: Orphanet 140162, MedGen C0027672, MeSH D009386, MONDO:0015356.

Submissions (5):

OLLIN Analises Genomicas, OLLIN
Classification: Uncertain significance for Noonan syndrome 10. Last evaluated: 2026-08-06. Review status: criteria provided, single submitter. Criteria: ACMG Guidelines 2015 PMID 25741868. Collection method: clinical testing. Allele origin: germline. Inheritance: Autosomal dominant inheritance.
Comment: This missense variant, located in exon 13 (of 21), is absent from gnomAD but has been reported in ClinVar (accession VCV001771584.2) and in the scientific literature in individuals with LZTR1 related disorders (PMID: 29493581). In silico analysis is inconclusive regarding the impact of this variant. Another pathogenic variant affecting the same amino acid residue has been reported (PMID: 29493581). According to the currently available evidence, this variant has been classified as uncertain significance (PM2_P, PM5).

GeneDx
Classification: Uncertain significance. Last evaluated: 2025-11-19. Review status: criteria provided, single submitter. Criteria: GeneDx Variant Classification Process June 2021. Collection method: clinical testing. Allele origin: germline. Affected: yes.
Comment: Not observed at significant frequency in large population cohorts (gnomAD); In silico analysis supports that this missense variant has a deleterious effect on protein structure/function; Has not been previously published as pathogenic or benign to our knowledge; This variant is associated with the following publications: (PMID: 32004086, 32575496)

Labcorp Genetics (formerly Invitae), Labcorp
Classification: Uncertain significance. Last evaluated: 2025-06-12. Review status: criteria provided, single submitter. Criteria: Invitae Variant Classification Sherloc (09022015). Collection method: clinical testing. Allele origin: germline.
Comment: This sequence change replaces alanine, which is neutral and non-polar, with threonine, which is neutral and polar, at codon 465 of the LZTR1 protein (p.Ala465Thr). This variant is not present in population databases (gnomAD no frequency). This variant has not been reported in the literature in individuals affected with LZTR1-related conditions. ClinVar contains an entry for this variant (Variation ID: 1691815). Invitae Evidence Modeling of protein sequence and biophysical properties (such as structural, functional, and spatial information, amino acid conservation, physicochemical variation, residue mobility, and thermodynamic stability) indicates that this missense variant is not expected to disrupt LZTR1 protein function with a negative predictive value of 80%. This variant disrupts the p.Ala465 amino acid residue in LZTR1. Other variant(s) that disrupt this residue have been determined to be pathogenic (PMID: 32004086, 32575496; internal data). This suggests that this residue is clinically significant, and that variants that disrupt this residue are likely to be disease-causing. In summary, the available evidence is currently insufficient to determine the role of this variant in disease. Therefore, it has been classified as a Variant of Uncertain Significance.

Baylor Genetics
Classification: Uncertain significance for LZTR1-related schwannomatosis. Last evaluated: 2023-11-30. Review status: criteria provided, single submitter. Criteria: ACMG Guidelines, 2015. Collection method: clinical testing. Allele origin: unknown.

Ambry Genetics
Classification: Uncertain significance for Cardiovascular phenotype; Hereditary cancer-predisposing syndrome. Last evaluated: 2023-01-16. Review status: criteria provided, single submitter. Criteria: Ambry Variant Classification Scheme 2023. Collection method: clinical testing. Allele origin: germline.
Comment: The p.A465T variant (also known as c.1393G>A), located in coding exon 13 of the LZTR1 gene, results from a G to A substitution at nucleotide position 1393. The alanine at codon 465 is replaced by threonine, an amino acid with similar properties. This amino acid position is conserved. In addition, this alteration is predicted to be deleterious by in silico analysis. Since supporting evidence is limited at this time, the clinical significance of this alteration remains unclear.

Literature cited by the submitters: PubMed 29493581 (cited by OLLIN Analises Genomicas, OLLIN); PubMed 32004086 (cited by Labcorp Genetics (formerly Invitae), Labcorp); PubMed 32575496 (cited by Labcorp Genetics (formerly Invitae), Labcorp).

NM_006767.4(LZTR1):c.1393G>A (p.Ala465Thr)

Gene: LZTR1 (leucine zipper like post translational regulator 1; plus strand). Cytogenetic location: 22q11.21.
Variant type: single nucleotide variant.
Coding change: c.1393G>A on transcript NM_006767.4 (MANE Select); coding-DNA position 1393, G replaced by A.
Protein change: p.Ala465Thr; replaces alanine 465 with threonine.
Genome position (GRCh38, 1-based): chr22:20,993,963, G>A. VCF-style: chr22-20993963-G-A. GRCh37 (hg19) VCF-style: chr22-21348252-G-A.
Other names: short protein forms A465T.
Identifiers: ClinVar variation 1691815 (VCV001691815.11), dbSNP rs2147967038, ClinGen allele CA410775140.